The following is an entry in ClinVar:

NM_020911.2(PLXNA4):c.95C>T (p.Pro32Leu)

Gene: PLXNA4 (plexin A4; minus strand). Cytogenetic location: 7q32.3.
Variant type: single nucleotide variant.
Coding change: c.95C>T on transcript NM_020911.2 (MANE Select); coding-DNA position 95, C replaced by T.
Protein change: p.Pro32Leu; replaces proline 32 with leucine.
Molecular consequence: missense variant.
Genome position (GRCh38, 1-based): chr7:132,508,599, G>A on the plus strand (C>T on the coding strand, the complement: PLXNA4 is on the minus strand). VCF-style: chr7-132508599-G-A. GRCh37 (hg19) VCF-style: chr7-132193358-G-A.
Other names: c.95C>T, p.Pro32Leu (NM_001105543.2, NM_001393897.1, NM_181775.4); short protein forms P32L.
Identifiers: ClinVar variation 2635931 (VCV002635931.4), dbSNP rs562844784, ClinGen allele CA4490557.

ClinVar aggregate classification (germline): Uncertain significance (1 of 4 stars; one submission).

Conditions:
PLXNA4-related disorder. Also called: PLXNA4-related condition.

Allele frequency attached by ClinVar (database versions not stated): gnomAD exomes 0.00004; ExAC 0.00006; gnomAD 0.00011; 1000 Genomes Project 30x 0.00016; 1000 Genomes Project 0.00020.
gnomAD v4.1: 83 of 1,613,342 alleles (0.0051%); highest among the groups gnomAD compares: Admixed American, 0.023%; no homozygotes.

Submission:

PreventionGenetics, part of Exact Sciences
Classification: Uncertain significance for PLXNA4-related condition. Last evaluated: 2026-01-06. Review status: criteria provided, single submitter. Criteria: ACMG Guidelines, 2015. Collection method: clinical testing. Allele origin: germline.
Comment: The PLXNA4 c.95C>T variant is predicted to result in the amino acid substitution p.Pro32Leu. To our knowledge, this variant has not been reported in the literature. This variant is reported in 0.030% of alleles in individuals of East Asian descent in gnomAD. At this time, the clinical significance of this variant is uncertain due to the absence of conclusive functional and genetic evidence.